The following is an entry in ClinVar:

NM_004369.4(COL6A3):c.3664C>T (p.Pro1222Ser)

Gene: COL6A3 (collagen type VI alpha 3 chain; minus strand). Cytogenetic location: 2q37.3.
Variant type: single nucleotide variant.
Coding change: c.3664C>T on transcript NM_004369.4 (MANE Select); coding-DNA position 3664, C replaced by T.
Protein change: p.Pro1222Ser; replaces proline 1222 with serine.
Molecular consequence: missense variant.
Genome position (GRCh38, 1-based): chr2:237,374,427, G>A on the plus strand (C>T on the coding strand, the complement: COL6A3 is on the minus strand). VCF-style: chr2-237374427-G-A. GRCh37 (hg19) VCF-style: chr2-238283070-G-A.
Other names: c.2443C>T, p.Pro815Ser (NM_057164.5); c.3046C>T, p.Pro1016Ser (NM_057165.5, NM_057167.4); c.1843C>T, p.Pro615Ser (NM_057166.5); short protein forms P1222S, P615S, P815S, P1016S.
Identifiers: ClinVar variation 500674 (VCV000500674.14), dbSNP rs1553560314, ClinGen allele CA351201371.
Genomic context (GRCh38, chr2:237,374,427, plus strand): 5'-CCAGACAATGACACTGAGTGAGGATGCAAAGAGTTCCCTGCGTACCTGGGCTCGGTAGAG[G>A]CTGCAACACCGGCTGCAGCCTGCTCAGCTCCTCGCGGGTGAGCTGGGTCACCCTCTCAGA-3'
Protein context (NP_004360.2, residues 1212-1232): ELSRLQPVLQ[Pro1222Ser]LPSPGVGGKR

ClinVar aggregate classification (germline): Uncertain significance. Review status: criteria provided, multiple submitters, no conflicts (2 of 4 stars). 3 submissions from 3 submitters: Uncertain significance (3). Last evaluated 2025-03-17.

Conditions:
Inborn genetic diseases. Identifiers: MedGen C0950123, MeSH D030342.
Bethlem myopathy 1A. Also called: MYOPATHY, BENIGN CONGENITAL, WITH CONTRACTURES; Bethlem myopathy 1; Bethlem Muscular Dystrophy. Identifiers: Orphanet 610, MedGen CN029274, MONDO:0024530, OMIM 158810.

gnomAD v4.1: 2 of 1,613,232 alleles (0.00012%); highest among the groups gnomAD compares: Non-Finnish European, 0.000085%; no homozygotes.

Submissions (3):

Ambry Genetics
Classification: Uncertain significance for Inborn genetic diseases. Last evaluated: 2025-03-17. Review status: criteria provided, single submitter. Criteria: Ambry Variant Classification Scheme 2023. Collection method: clinical testing. Allele origin: germline.

Labcorp Genetics (formerly Invitae), Labcorp
Classification: Uncertain significance for Bethlem myopathy 1A. Last evaluated: 2021-01-07. Review status: criteria provided, single submitter. Criteria: Invitae Variant Classification Sherloc (09022015). Collection method: clinical testing. Allele origin: germline.
Comment: This sequence change replaces proline with serine at codon 1222 of the COL6A3 protein (p.Pro1222Ser). The proline residue is moderately conserved and there is a moderate physicochemical difference between proline and serine. This variant is not present in population databases (ExAC no frequency). This variant has not been reported in the literature in individuals with COL6A3-related disease. ClinVar contains an entry for this variant (Variation ID: 500674). Algorithms developed to predict the effect of missense changes on protein structure and function output the following: SIFT: "Tolerated"; PolyPhen-2: "Benign"; Align-GVGD: "Class C0". The serine amino acid residue is found in multiple mammalian species, suggesting that this missense change does not adversely affect protein function. These predictions have not been confirmed by published functional studies and their clinical significance is uncertain. In summary, the available evidence is currently insufficient to determine the role of this variant in disease. Therefore, it has been classified as a Variant of Uncertain Significance.

Eurofins Ntd Llc (ga)
Classification: Uncertain significance. Last evaluated: 2017-02-28. Review status: criteria provided, single submitter. Criteria: EGL Classification Definitions 2015. Collection method: clinical testing. Allele origin: germline. Observed: 1 variant allele, 1 heterozygote.